The following is an entry in ClinVar:

NM_024700.4(SNIP1):c.22C>T (p.Arg8Trp)

Gene: SNIP1 (Smad nuclear interacting protein 1; minus strand). Cytogenetic location: 1p34.3.
Variant type: single nucleotide variant.
Coding change: c.22C>T on transcript NM_024700.4 (MANE Select); coding-DNA position 22, C replaced by T.
Protein change: p.Arg8Trp; replaces arginine 8 with tryptophan.
Molecular consequence: missense variant.
Genome position (GRCh38, 1-based): chr1:37,554,208, G>A on the plus strand (C>T on the coding strand, the complement: SNIP1 is on the minus strand). VCF-style: chr1-37554208-G-A. GRCh37 (hg19) VCF-style: chr1-38019809-G-A.
Other names: short protein forms R8W.
Identifiers: ClinVar variation 2917061 (VCV002917061.3), dbSNP rs371875381, ClinGen allele CA771449.
Genomic context (GRCh38, chr1:37,554,208, plus strand): 5'-CCACCCCCGCCGGCAGCACCACGTCCCCGTCCCGGTGTCTTCGCCGGCTCCCTCGCTCCC[G>A]TTCGCTCTTCACCGCCTTCATTCTGTGATTTTGGCTGGGCGAAAGAAAACAGATCAGTTG-3'
Protein context (NP_078976.2, residues 1-18): MKAVKSE[Arg8Trp]ERGSRRRHRD

ClinVar aggregate classification (germline): Uncertain significance (1 of 4 stars; one submission).

Allele frequency attached by ClinVar (database versions not stated): gnomAD exomes 0.00001; TOPMed 0.00001; ExAC 0.00002; gnomAD 0.00002; ESP Exome Variant Server 0.00015.
gnomAD v4.1: 20 of 1,606,876 alleles (0.0012%); highest among the groups gnomAD compares: Non-Finnish European, 0.0016%; no homozygotes.

Submission:

Labcorp Genetics (formerly Invitae), Labcorp
Classification: Uncertain significance. Last evaluated: 2023-03-01. Review status: criteria provided, single submitter. Criteria: Invitae Variant Classification Sherloc (09022015). Collection method: clinical testing. Allele origin: germline.
Comment: This sequence change replaces arginine, which is basic and polar, with tryptophan, which is neutral and slightly polar, at codon 8 of the SNIP1 protein (p.Arg8Trp). This variant is present in population databases (rs371875381, gnomAD 0.003%). This variant has not been reported in the literature in individuals affected with SNIP1-related conditions. An algorithm developed to predict the effect of missense changes on protein structure and function (PolyPhen-2) suggests that this variant is likely to be tolerated. In summary, the available evidence is currently insufficient to determine the role of this variant in disease. Therefore, it has been classified as a Variant of Uncertain Significance.